The following is an entry in ClinVar:

NM_000535.7(PMS2):c.1488C>G (p.His496Gln)

Gene: PMS2 (PMS1 homolog 2, mismatch repair system component; minus strand). Cytogenetic location: 7p22.1.
Variant type: single nucleotide variant.
Coding change: c.1488C>G on transcript NM_000535.7 (MANE Select); coding-DNA position 1488, C replaced by G.
Protein change: p.His496Gln; replaces histidine 496 with glutamine.
Molecular consequence: missense variant. On other transcripts: non-coding transcript variant (1), intron variant (1).
Genome position (GRCh38, 1-based): chr7:5,987,277, G>C on the plus strand (C>G on the coding strand, the complement: PMS2 is on the minus strand). VCF-style: chr7-5987277-G-C. GRCh37 (hg19) VCF-style: chr7-6026908-G-C.
Other names: c.1083C>G, p.His361Gln (NM_001018040.1, NM_001322003.2, NM_001322004.2 and 17 more transcripts); c.1332C>G, p.His444Gln (NM_001322006.2, NM_001406870.1); c.1170C>G, p.His390Gln (NM_001322007.2, NM_001322008.2, NM_001406876.1 and 2 more transcripts); c.927C>G, p.His309Gln (NM_001322010.2, NM_001406906.1, NM_001406907.1); c.555C>G, p.His185Gln (NM_001322011.2, NM_001322012.2); c.915C>G, p.His305Gln (NM_001322013.2, NM_001406909.1); c.1488C>G, p.His496Gln (NM_001322014.2, NM_001406871.1, NM_001406872.1); c.1179C>G, p.His393Gln (NM_001322015.2, NM_001406875.1, NM_001406877.1 and 5 more transcripts); and 13 more; short protein forms H338Q, H341Q, H384Q, H388Q, H440Q, H496Q, H305Q, H309Q.
Identifiers: ClinVar variation 2774131 (VCV002774131.2), dbSNP rs1805320, ClinGen allele CA366741805.
Genomic context (GRCh38, chr7:5,987,277, plus strand): 5'-GCTGCAGTGACTGCCCGTGTCTGGGATGCTGAACCCCTCAGAATCCACGGAAGTGCTGCC[G>C]TGCCCCGAGTCCTTCTCCACCTCCGCTCTGTCCGTAGGGTCACTGGGTCCGTGACTGGAA-3'
Protein context (NP_000526.2, residues 486-506): DRAEVEKDSG[His496Gln]GSTSVDSEGF

ClinVar aggregate classification (germline): Uncertain significance (1 of 4 stars; one submission).

Conditions:
Hereditary cancer-predisposing syndrome. Also called: Hereditary neoplastic syndrome; Hereditary Cancer Syndrome; Neoplastic Syndromes, Hereditary; Tumor predisposition. Identifiers: Orphanet 140162, MedGen C0027672, MeSH D009386, MONDO:0015356.

Submission:

Color Diagnostics, LLC DBA Color Health
Classification: Uncertain significance for Hereditary cancer-predisposing syndrome. Last evaluated: 2023-08-28. Review status: criteria provided, single submitter. Criteria: ACMG Guidelines, 2015. Collection method: clinical testing. Allele origin: germline.
Comment: This missense variant replaces histidine with glutamine at codon 496 of the PMS2 gene. Computational prediction suggests that this variant may not impact protein structure and function (internally defined REVEL score threshold <= 0.5, PMID: 27666373). To our knowledge, functional studies have not been reported for this variant. This variant has not been reported in individuals affected with PMS2-related disorders in the literature. This variant has not been identified in the general population by the Genome Aggregation Database (gnomAD). The available evidence is insufficient to determine the role of this variant in disease conclusively. Therefore, this variant is classified as a Variant of Uncertain Significance.